The following is an entry in ClinVar:

NM_002470.4(MYH3):c.1535T>C (p.Ile512Thr)

Gene: MYH3 (myosin heavy chain 3; minus strand). Cytogenetic location: 17p13.1.
Variant type: single nucleotide variant.
Coding change: c.1535T>C on transcript NM_002470.4 (MANE Select); coding-DNA position 1535, T replaced by C.
Protein change: p.Ile512Thr; replaces isoleucine 512 with threonine.
Molecular consequence: missense variant.
Genome position (GRCh38, 1-based): chr17:10,642,872, A>G on the plus strand (T>C on the coding strand, the complement: MYH3 is on the minus strand). VCF-style: chr17-10642872-A-G. GRCh37 (hg19) VCF-style: chr17-10546189-A-G.
Other names: short protein forms I512T.
Identifiers: ClinVar variation 2629417 (VCV002629417.1), dbSNP rs2508613715, ClinGen allele CA398172635.

ClinVar aggregate classification (germline): Likely pathogenic (1 of 4 stars; one submission).

Conditions:
MYH3-related disorder. Also called: MYH3-Related Disorders; MYH3-related condition. Identifiers: MedGen CN239329.

Submission:

PreventionGenetics, part of Exact Sciences
Classification: Likely pathogenic for MYH3-related condition. Last evaluated: 2023-02-20. Review status: criteria provided, single submitter. Criteria: ACMG Guidelines, 2015. Collection method: clinical testing. Allele origin: germline.
Comment: The MYH3 c.1535T>C variant is predicted to result in the amino acid substitution p.Ile512Thr. To our knowledge, this variant has not been reported in the literature or in a large population database, indicating this variant is rare. This variant is interpreted as likely pathogenic.